The following is an entry in ClinVar:

NM_030665.4(RAI1):c.2831C>T (p.Ser944Phe)

Gene: RAI1 (retinoic acid induced 1; plus strand). Cytogenetic location: 17p11.2.
Variant type: single nucleotide variant.
Coding change: c.2831C>T on transcript NM_030665.4 (MANE Select); coding-DNA position 2831, C replaced by T.
Protein change: p.Ser944Phe; replaces serine 944 with phenylalanine.
Molecular consequence: missense variant.
Genome position (GRCh38, 1-based): chr17:17,795,779, C>T. VCF-style: chr17-17795779-C-T. GRCh37 (hg19) VCF-style: chr17-17699093-C-T.
Other names: c.2831C>T (NM_030665.3); short protein forms S944F.
Identifiers: ClinVar variation 3649150 (VCV003649150.3).

ClinVar aggregate classification (germline): Uncertain significance. Review status: criteria provided, multiple submitters, no conflicts (2 of 4 stars). 2 submissions from 2 submitters: Uncertain significance (2). Last evaluated 2025-07-01.

Conditions:
RAI1-related disorder. Also called: RAI1-related condition.

Submissions (2):

PreventionGenetics, part of Exact Sciences
Classification: Uncertain significance for RAI1-related condition. Last evaluated: 2025-07-01. Review status: criteria provided, single submitter. Criteria: ACMG Guidelines, 2015. Collection method: clinical testing. Allele origin: germline.
Comment: The RAI1 c.2831C>T variant is predicted to result in the amino acid substitution p.Ser944Phe. To our knowledge, this variant has not been reported in the literature or in a large population database (gnomAD), indicating this variant is rare. At this time, the clinical significance of this variant is uncertain due to the absence of conclusive functional and genetic evidence.

Labcorp Genetics (formerly Invitae), Labcorp
Classification: Uncertain significance. Last evaluated: 2024-04-08. Review status: criteria provided, single submitter. Criteria: Invitae Variant Classification Sherloc (09022015). Collection method: clinical testing. Allele origin: germline.
Comment: This sequence change replaces serine, which is neutral and polar, with phenylalanine, which is neutral and non-polar, at codon 944 of the RAI1 protein (p.Ser944Phe). This variant is not present in population databases (gnomAD no frequency). This variant has not been reported in the literature in individuals affected with RAI1-related conditions. Advanced modeling of protein sequence and biophysical properties (such as structural, functional, and spatial information, amino acid conservation, physicochemical variation, residue mobility, and thermodynamic stability) performed at Invitae indicates that this missense variant is expected to disrupt RAI1 protein function with a positive predictive value of 80%. In summary, the available evidence is currently insufficient to determine the role of this variant in disease. Therefore, it has been classified as a Variant of Uncertain Significance.